The following is an entry in ClinVar:

ClinVar aggregate classification (germline): Uncertain significance (1 of 4 stars; one submission).

gnomAD v4.1: 1 of 1,613,802 alleles (0.000062%); highest among the groups gnomAD compares: Admixed American, 0.0017%; no homozygotes.

Submission:

Ambry Genetics
Classification: Uncertain significance. Last evaluated: 2024-09-30. Review status: criteria provided, single submitter. Criteria: Ambry Variant Classification Scheme 2023. Collection method: clinical testing. Allele origin: germline.
Comment: The p.S167T variant (also known as c.499T>A), located in coding exon 3 of the MNDA gene, results from a T to A substitution at nucleotide position 499. The serine at codon 167 is replaced by threonine, an amino acid with similar properties. This amino acid position is conserved. In addition, this alteration is predicted to be tolerated by in silico analysis. Since supporting evidence is limited at this time, the clinical significance of this alteration remains unclear.

NM_002432.3(MNDA):c.499T>A (p.Ser167Thr)

Gene: MNDA (myeloid cell nuclear differentiation antigen; plus strand). Cytogenetic location: 1q23.1.
Variant type: single nucleotide variant.
Coding change: c.499T>A on transcript NM_002432.3 (MANE Select); coding-DNA position 499, T replaced by A.
Protein change: p.Ser167Thr; replaces serine 167 with threonine.
Molecular consequence: missense variant.
Genome position (GRCh38, 1-based): chr1:158,844,051, T>A. VCF-style: chr1-158844051-T-A. GRCh37 (hg19) VCF-style: chr1-158813841-T-A.
Other names: short protein forms S167T.
Identifiers: ClinVar variation 1744650 (VCV001744650.3), dbSNP rs753268940, ClinGen allele CA343039324.